The following is an entry in ClinVar:

ClinVar aggregate classification (germline): Likely benign. Review status: criteria provided, multiple submitters, no conflicts (2 of 4 stars). 2 submissions from 2 submitters: Likely benign (2). Last evaluated 2026-01-19.

Allele frequency attached by ClinVar (database versions not stated): ExAC 0.00004; gnomAD exomes 0.00005 and 0.00012; ESP Exome Variant Server 0.00008; gnomAD 0.00009; TOPMed 0.00011; 1000 Genomes Project 30x 0.00016.
gnomAD v4.1: 199 of 1,614,048 alleles (0.012%); highest among the groups gnomAD compares: Non-Finnish European, 0.015%; no homozygotes.

Submissions (2):

Labcorp Genetics (formerly Invitae), Labcorp
Classification: Likely benign. Last evaluated: 2026-01-19. Review status: criteria provided, single submitter. Criteria: Invitae Variant Classification Sherloc (09022015). Collection method: clinical testing. Allele origin: germline.

GeneDx
Classification: Likely benign. Last evaluated: 2018-05-18. Review status: criteria provided, single submitter. Criteria: GeneDx Variant Classification (06012015). Collection method: clinical testing. Allele origin: germline. Affected: yes.
Comment: This variant is considered likely benign or benign based on one or more of the following criteria: it is a conservative change, it occurs at a poorly conserved position in the protein, it is predicted to be benign by multiple in silico algorithms, and/or has population frequency not consistent with disease.

NM_001291303.3(FAT4):c.14577G>A (p.Arg4859=)

Gene: FAT4 (FAT atypical cadherin 4; plus strand). Cytogenetic location: 4q28.1.
Variant type: single nucleotide variant.
Coding change: c.14577G>A on transcript NM_001291303.3 (MANE Select); coding-DNA position 14577, G replaced by A.
Protein change: p.Arg4859=; no amino-acid change (arginine 4859 retained).
Molecular consequence: synonymous variant.
Genome position (GRCh38, 1-based): chr4:125,491,393, G>A. VCF-style: chr4-125491393-G-A. GRCh37 (hg19) VCF-style: chr4-126412548-G-A.
Other names: c.14574G>A, p.Arg4858= (NM_001291285.3); c.14571G>A, p.Arg4857= (NM_024582.6).
Identifiers: ClinVar variation 668446 (VCV000668446.9), dbSNP rs144832106, ClinGen allele CA3074586.